The following is an entry in ClinVar:

NM_005787.6(ALG3):c.971C>G (p.Ser324Cys)

Gene: ALG3 (ALG3 alpha-1,3- mannosyltransferase; minus strand). Cytogenetic location: 3q27.1.
Variant type: single nucleotide variant.
Coding change: c.971C>G on transcript NM_005787.6 (MANE Select); coding-DNA position 971, C replaced by G.
Protein change: p.Ser324Cys; replaces serine 324 with cysteine.
Molecular consequence: missense variant. On other transcripts: non-coding transcript variant (2).
Genome position (GRCh38, 1-based): chr3:184,243,592, G>C on the plus strand (C>G on the coding strand, the complement: ALG3 is on the minus strand). VCF-style: chr3-184243592-G-C. GRCh37 (hg19) VCF-style: chr3-183961380-G-C.
Other names: c.827C>G, p.Ser276Cys (NM_001006941.2); short protein forms S276C, S324C.
Identifiers: ClinVar variation 900790 (VCV000900790.7), dbSNP rs2233469, ClinGen allele CA2729367.

ClinVar aggregate classification (germline): Uncertain significance. Review status: criteria provided, multiple submitters, no conflicts (2 of 4 stars). 3 submissions from 3 submitters: Uncertain significance (3). Last evaluated 2022-06-15.

Conditions:
Inborn genetic diseases. Identifiers: MedGen C0950123, MeSH D030342.
ALG3-congenital disorder of glycosylation. Also called: CONGENITAL DISORDER OF GLYCOSYLATION, TYPE Id; CDG Id; CARBOHYDRATE-DEFICIENT GLYCOPROTEIN SYNDROME, TYPE IV; CDGS, TYPE IV; ALG3-CDG. Identifiers: Orphanet 79321, MedGen C1832736, MONDO:0010998, OMIM 601110.

Allele frequency attached by ClinVar (database versions not stated): gnomAD exomes 0.00008; ExAC 0.00009; 1000 Genomes Project 0.00020; 1000 Genomes Project 30x 0.00031; ESP Exome Variant Server 0.00042; gnomAD 0.00047 and 0.00049; TOPMed 0.00048.

Submissions (3):

Labcorp Genetics (formerly Invitae), Labcorp
Classification: Uncertain significance for ALG3-congenital disorder of glycosylation. Last evaluated: 2022-06-15. Review status: criteria provided, single submitter. Criteria: Invitae Variant Classification Sherloc (09022015). Collection method: clinical testing. Allele origin: germline.
Comment: This sequence change replaces serine, which is neutral and polar, with cysteine, which is neutral and slightly polar, at codon 324 of the ALG3 protein (p.Ser324Cys). This variant is present in population databases (rs2233469, gnomAD 0.2%). This variant has not been reported in the literature in individuals affected with ALG3-related conditions. ClinVar contains an entry for this variant (Variation ID: 900790). Algorithms developed to predict the effect of missense changes on protein structure and function are either unavailable or do not agree on the potential impact of this missense change (SIFT: "Tolerated"; PolyPhen-2: "Possibly Damaging"; Align-GVGD: "Class C0"). In summary, the available evidence is currently insufficient to determine the role of this variant in disease. Therefore, it has been classified as a Variant of Uncertain Significance.

Ambry Genetics
Classification: Uncertain significance for Inborn genetic diseases. Last evaluated: 2021-11-12. Review status: criteria provided, single submitter. Criteria: Ambry Variant Classification Scheme 2023. Collection method: clinical testing. Allele origin: germline.

Illumina Laboratory Services, Illumina
Classification: Uncertain significance for ALG3-congenital disorder of glycosylation. Last evaluated: 2018-01-12. Review status: criteria provided, single submitter. Criteria: ICSL Variant Classification Criteria 13 December 2019. Collection method: clinical testing. Allele origin: germline.